The following is an entry in ClinVar:

NM_138711.6(PPARG):c.559G>A (p.Glu187Lys)

Genes: PPARG (peroxisome proliferator activated receptor gamma; plus strand), LOC114803475 (PPARG eExon liver enhancer; plus strand). Cytogenetic location: 3p25.2.
Variant type: single nucleotide variant.
Coding change: c.559G>A on transcript NM_138711.6 (MANE Select); coding-DNA position 559, G replaced by A.
Protein change: p.Glu187Lys; replaces glutamic acid 187 with lysine.
Molecular consequence: missense variant. On other transcripts: intron variant (1).
Genome position (GRCh38, 1-based): chr3:12,405,911, G>A. VCF-style: chr3-12405911-G-A. GRCh37 (hg19) VCF-style: chr3-12447410-G-A.
Other names: c.559G>A, p.Glu187Lys (NM_001330615.4, NM_001354666.3, NM_001354667.3 and 6 more transcripts); c.649G>A, p.Glu217Lys (NM_001354668.2, NM_001374265.1, NM_015869.5); c.565G>A, p.Glu189Lys (NM_001354670.2, NM_001374266.1); c.103-10793G>A (NM_001354669.2); short protein forms E189K, E187K, E217K.
Identifiers: ClinVar variation 4997418 (VCV004997418.1).

ClinVar aggregate classification (germline): Uncertain significance (1 of 4 stars; one submission).

Conditions:
PPARG-related disorder. Also called: PPARG-related disorders; PPARG-related condition.

gnomAD v4.1: 7 of 1,614,038 alleles (0.00043%); highest among the groups gnomAD compares: Admixed American, 0.0033%; no homozygotes.

Submission:

PreventionGenetics, part of Exact Sciences
Classification: Uncertain significance for PPARG-related condition. Last evaluated: 2025-03-17. Review status: criteria provided, single submitter. Criteria: ACMG Guidelines, 2015. Collection method: clinical testing. Allele origin: germline.
Comment: The PPARG c.649G>A variant is predicted to result in the amino acid substitution p.Glu217Lys. This variant has been reported in individuals with type 2 diabetes (Majithia et al. 2014. PubMed ID: 25157153; Gong et al. 2021. PubMed ID: 34764936) and in a cohort study of individuals tested for dyslipidemias (Table S4, Dron et al. 2020. PubMed ID: 32041611; referred as p.Glu189Lys in Table S2, Deshotels et al. 2022. PubMed ID: 36325899). Luciferase assays found this variant results in lower activity compared to wild type and cells transfected with the variant had lower lipid accumulation than wild type (Gong et al. 2021. PubMed ID: 34764936). In vitro functional studies showed that this variant mildly affects the ability to differentiate in human adipocytes (Majithia et al. 2014. PubMed ID: 25157153). This variant is reported in 0.0029% of alleles in individuals of Latino descent in gnomAD. Although we suspect that this variant may be pathogenic, at this time, the clinical significance of this variant is uncertain due to the absence of conclusive functional and genetic evidence.